The following is an entry in ClinVar:

NM_004656.4(BAP1):c.2114G>A (p.Ser705Asn)

Gene: BAP1 (BRCA1 associated deubiquitinase 1; minus strand). Cytogenetic location: 3p21.1.
Variant type: single nucleotide variant.
Coding change: c.2114G>A on transcript NM_004656.4 (MANE Select); coding-DNA position 2114, G replaced by A.
Protein change: p.Ser705Asn; replaces serine 705 with asparagine.
Molecular consequence: missense variant.
Genome position (GRCh38, 1-based): chr3:52,402,364, C>T on the plus strand (G>A on the coding strand, the complement: BAP1 is on the minus strand). VCF-style: chr3-52402364-C-T. GRCh37 (hg19) VCF-style: chr3-52436380-C-T.
Other names: c.2114G>A (NM_004656.3); c.2060G>A, p.Ser687Asn (NM_001410772.1); short protein forms S687N, S705N.
Identifiers: ClinVar variation 2783918 (VCV002783918.5), dbSNP rs1704984916, ClinGen allele CA353094289.
Genomic context (GRCh38, chr3:52,402,364, plus strand): 5'-TTGTAGGGGCGAGAGCGTTTCCGCCGGTCAGGCTTCCGCTGCTTGTGGAGCCGGCCGATG[C>T]TGACCCCTTGGCGCCGCCGCACGGAGATGTTCTGCTCCACTAGGTTGGCCAGCATGCCTG-3'
Protein context (NP_004647.1, residues 695-715): NISVRRRQGV[Ser705Asn]IGRLHKQRKP

ClinVar aggregate classification (germline): Conflicting classifications of pathogenicity. Review status: criteria provided, conflicting classifications (1 of 4 stars). 3 submissions from 3 submitters: Uncertain significance (2); Likely benign (1). Last evaluated 2025-06-15.

Conditions:
Hereditary cancer-predisposing syndrome. Also called: Hereditary neoplastic syndrome; Neoplastic Syndromes, Hereditary; Tumor predisposition; Hereditary Cancer Syndrome. Identifiers: Orphanet 140162, MedGen C0027672, MeSH D009386, MONDO:0015356.
BAP1-related tumor predisposition syndrome (TPDS1). Also called: Tumor susceptibility linked to germline BAP1 mutations; COMMON Syndrome; TUMOR PREDISPOSITION SYNDROME 1; BAP1 tumor predisposition syndrome. Identifiers: Orphanet 289539, MedGen C3280492, MONDO:0013692, OMIM 614327.

Allele frequency attached by ClinVar (database versions not stated): gnomAD exomes below 0.00001.
gnomAD v4.1: 1 of 1,580,524 alleles (0.000063%); no homozygotes.

Submissions (3):

GeneDx
Classification: Uncertain significance. Last evaluated: 2025-06-15. Review status: criteria provided, single submitter. Criteria: GeneDx Variant Classification Process June 2021. Collection method: clinical testing. Allele origin: germline. Affected: yes.
Comment: Not observed at significant frequency in large population cohorts (gnomAD); In silico analysis suggests that this missense variant does not alter protein structure/function; Has not been previously published as pathogenic or benign to our knowledge

Ambry Genetics
Classification: Likely benign for Hereditary cancer-predisposing syndrome. Last evaluated: 2024-08-16. Review status: criteria provided, single submitter. Criteria: Ambry Variant Classification Scheme 2023. Collection method: clinical testing. Allele origin: germline.

Labcorp Genetics (formerly Invitae), Labcorp
Classification: Uncertain significance for BAP1-related tumor predisposition syndrome. Last evaluated: 2023-08-20. Review status: criteria provided, single submitter. Criteria: Invitae Variant Classification Sherloc (09022015). Collection method: clinical testing. Allele origin: germline.
Comment: In summary, the available evidence is currently insufficient to determine the role of this variant in disease. Therefore, it has been classified as a Variant of Uncertain Significance. Advanced modeling of protein sequence and biophysical properties (such as structural, functional, and spatial information, amino acid conservation, physicochemical variation, residue mobility, and thermodynamic stability) performed at Invitae indicates that this missense variant is not expected to disrupt BAP1 protein function. This variant has not been reported in the literature in individuals affected with BAP1-related conditions. This variant is not present in population databases (gnomAD no frequency). This sequence change replaces serine, which is neutral and polar, with asparagine, which is neutral and polar, at codon 705 of the BAP1 protein (p.Ser705Asn).